The following is an entry in ClinVar:

ClinVar aggregate classification (germline): Pathogenic. Review status: reviewed by expert panel (3 of 4 stars). 9 submissions from 9 submitters: Pathogenic (1). 8 of the submissions do not count toward it. Last evaluated 2016-09-08.

Conditions:
Hereditary cancer-predisposing syndrome. Also called: Tumor predisposition; Hereditary Cancer Syndrome; Hereditary neoplastic syndrome; Neoplastic Syndromes, Hereditary. Identifiers: Orphanet 140162, MedGen C0027672, MeSH D009386, MONDO:0015356.
Hereditary breast ovarian cancer syndrome. Also called: Breast and ovarian cancer; Hereditary breast and ovarian cancer syndrome; Hereditary breast and ovarian cancer; BRCA1- and BRCA2-Associated Hereditary Breast and Ovarian Cancer; Hereditary breast and ovarian cancer syndrome (HBOC); Hereditary breast and/or ovarian cancer syndrome. Identifiers: Orphanet 145, MedGen C0677776, MeSH D061325, MONDO:0003582. Disease mechanism: loss of function.
Breast-ovarian cancer, familial, susceptibility to, 2 (BROVCA2). Also called: BRCA2 Hereditary Breast and Ovarian Cancer. Identifiers: Orphanet 145, MedGen C2675520, MONDO:0012933, OMIM 612555. Disease mechanism: loss of function.

Submissions (9):

Evidence-based Network for the Interpretation of Germline Mutant Alleles (ENIGMA)
Classification: Pathogenic for Breast-ovarian cancer, familial, susceptibility to, 2. Last evaluated: 2016-09-08. Review status: reviewed by expert panel. Criteria: ENIGMA BRCA1/2 Classification Criteria (2015). Collection method: curation. Allele origin: germline.
Comment: Variant allele predicted to encode a truncated non-functional protein.

Labcorp Genetics (formerly Invitae), Labcorp
Classification: Pathogenic for Hereditary breast ovarian cancer syndrome. Last evaluated: 2025-09-02. Review status: criteria provided, single submitter. Criteria: Invitae Variant Classification Sherloc (09022015). Collection method: clinical testing. Allele origin: germline. Not counted in ClinVar's aggregate classification.
Comment: This sequence change creates a premature translational stop signal (p.Lys1058*) in the BRCA2 gene. It is expected to result in an absent or disrupted protein product. Loss-of-function variants in BRCA2 are known to be pathogenic (PMID: 20104584). This variant is not present in population databases (gnomAD no frequency). This premature translational stop signal has been observed in individual(s) with a personal and/or family history of breast and/or ovarian cancer (PMID: 24156927, 26681312, 29446198). ClinVar contains an entry for this variant (Variation ID: 182196). For these reasons, this variant has been classified as Pathogenic.

GeneDx
Classification: Pathogenic. Last evaluated: 2025-06-24. Review status: criteria provided, single submitter. Criteria: GeneDx Variant Classification Process June 2021. Collection method: clinical testing. Allele origin: germline. Affected: yes. Not counted in ClinVar's aggregate classification.
Comment: Nonsense variant predicted to result in protein truncation or nonsense mediated decay in a gene for which loss of function is a known mechanism of disease; Not observed at significant frequency in large population cohorts (gnomAD); Truncating variants in this gene are considered pathogenic by a well-established clinical consortium and/or database; Also known as 3400A>T; This variant is associated with the following publications: (PMID: 26681312, 24156927, 29446198, 20104584)

Equipe Genetique des Anomalies du Developpement, Université de Bourgogne
Classification: Pathogenic for Breast-ovarian cancer, familial, susceptibility to, 2. Last evaluated: 2019-06-04. Review status: criteria provided, single submitter. Criteria: ACMG Guidelines, 2015. Collection method: clinical testing. Allele origin: unknown. Affected: yes. Not counted in ClinVar's aggregate classification.

Ambry Genetics
Classification: Pathogenic for Hereditary cancer-predisposing syndrome. Last evaluated: 2018-04-09. Review status: criteria provided, single submitter. Criteria: Ambry Variant Classification Scheme 2023. Collection method: clinical testing. Allele origin: germline. Not counted in ClinVar's aggregate classification.
Comment: The p.K1058* pathogenic mutation (also known as c.3172A>T), located in coding exon 10 of the BRCA2 gene, results from an A to T substitution at nucleotide position 3172. This changes the amino acid from a lysine to a stop codon within coding exon 10. In addition to the clinical data presented in the literature, this alteration is expected to result in loss of function by premature protein truncation or nonsense-mediated mRNA decay. As such, this alteration is interpreted as a disease-causing mutation.

Laboratory for Molecular Medicine, Mass General Brigham Personalized Medicine
Classification: Pathogenic for Hereditary breast ovarian cancer syndrome. Last evaluated: 2016-08-15. Review status: criteria provided, single submitter. Criteria: LMM Criteria. Collection method: clinical testing. Allele origin: germline. Inheritance: Autosomal dominant inheritance. Observed: 2 variant alleles. Not counted in ClinVar's aggregate classification.
Comment: The p.Lys1058X variant in BRCA2 has been reported in 1 individual with a persona l or familial history of BRCA2-associated cancer (Tea 2014) and was absent from large population studies. This nonsense variant leads to a premature termination codon at position 1058, which is predicted to lead to a truncated or absent pro tein. Heterozygous loss of function of the BRCA2 gene is an established disease mechanism in hereditary breast and ovarian cancer (HBOC). In addition, this vari ant was classified as Pathogenic on Sep 8, 2016 by the ClinGen-approved ENIGMA e xpert panel (ClinVar SCV000300593). In summary, this variant meets criteria to b e classified as pathogenic for HBOC in an autosomal dominant manner based upon t he predicted impact to the protein.

Consortium of Investigators of Modifiers of BRCA1/2 (CIMBA), c/o University of Cambridge
Classification: Pathogenic for Breast-ovarian cancer, familial, susceptibility to, 2. Last evaluated: 2015-10-02. Review status: criteria provided, single submitter. Criteria: CIMBA Mutation Classification guidelines May 2016. Collection method: clinical testing. Allele origin: germline. Not counted in ClinVar's aggregate classification.

BRCAlab, Lund University
Classification: Pathogenic for Breast-ovarian cancer, familial, susceptibility to, 2. Last evaluated: 2020-03-02. Review status: no assertion criteria provided. Collection method: clinical testing. Allele origin: germline. Affected: yes. Not counted in ClinVar's aggregate classification.

Institute of Human Genetics, Medical University Innsbruck
Classification: Pathogenic for Breast-ovarian cancer, familial 2. Last evaluated: 2015-02-11. Review status: no assertion criteria provided. Criteria: clinical testing. Collection method: clinical testing. Allele origin: germline. Affected: yes. Study: BRCA-Tyrol. Not counted in ClinVar's aggregate classification.
Comment: BRCA-mutation spectrum Western Austria

Literature cited by the submitters: PubMed 20104584 (cited by Labcorp Genetics (formerly Invitae), Labcorp); PubMed 24156927 (cited by 3 submitters); PubMed 26681312 (cited by Labcorp Genetics (formerly Invitae), Labcorp); PubMed 29446198 (cited by Labcorp Genetics (formerly Invitae), Labcorp).

NM_000059.4(BRCA2):c.3172A>T (p.Lys1058Ter)

Gene: BRCA2 (BRCA2 DNA repair associated; plus strand). Cytogenetic location: 13q13.1.
Variant type: single nucleotide variant.
Coding change: c.3172A>T on transcript NM_000059.4 (MANE Select); coding-DNA position 3172, A replaced by T.
Protein change: p.Lys1058Ter; replaces lysine 1058 with a stop codon.
Molecular consequence: nonsense.
Genome position (GRCh38, 1-based): chr13:32,337,527, A>T. VCF-style: chr13-32337527-A-T. GRCh37 (hg19) VCF-style: chr13-32911664-A-T.
Other names: p.K1058*:AAA>TAA; c.3172A>T (LRG_293t1); short protein forms K1058*.
Identifiers: ClinVar variation 182196 (VCV000182196.23), dbSNP rs730881521, ClinGen allele CA017460.